The following is an entry in ClinVar:

ClinVar aggregate classification (germline): Uncertain significance (1 of 4 stars; one submission).

Submission:

Labcorp Genetics (formerly Invitae), Labcorp
Classification: Uncertain significance. Last evaluated: 2022-06-13. Review status: criteria provided, single submitter. Criteria: Invitae Variant Classification Sherloc (09022015). Collection method: clinical testing. Allele origin: germline.
Comment: This sequence change replaces glycine, which is neutral and non-polar, with valine, which is neutral and non-polar, at codon 105 of the PPP3CA protein (p.Gly105Val). This variant is not present in population databases (gnomAD no frequency). This missense change has been observed in individual(s) with clinical features of PPP3CA-related conditions (Invitae). Algorithms developed to predict the effect of missense changes on protein structure and function (SIFT, PolyPhen-2, Align-GVGD) all suggest that this variant is likely to be disruptive. In summary, the available evidence is currently insufficient to determine the role of this variant in disease. Therefore, it has been classified as a Variant of Uncertain Significance.

NM_000944.5(PPP3CA):c.314G>T (p.Gly105Val)

Gene: PPP3CA (protein phosphatase 3 catalytic subunit alpha; minus strand). Cytogenetic location: 4q24.
Variant type: single nucleotide variant.
Coding change: c.314G>T on transcript NM_000944.5 (MANE Select); coding-DNA position 314, G replaced by T.
Protein change: p.Gly105Val; replaces glycine 105 with valine.
Molecular consequence: missense variant.
Genome position (GRCh38, 1-based): chr4:101,109,024, C>A on the plus strand (G>T on the coding strand, the complement: PPP3CA is on the minus strand). VCF-style: chr4-101109024-C-A. GRCh37 (hg19) VCF-style: chr4-102030181-C-A.
Other names: c.314G>T, p.Gly105Val (NM_001130691.2, NM_001130692.2); short protein forms G105V.
Identifiers: ClinVar variation 1508649 (VCV001508649.8), dbSNP rs2110263503, ClinGen allele CA357950561.
Genomic context (GRCh38, chr4:101,109,024, plus strand): 5'-AAGTACCCTCTGTCAACATAGTCCCCTAAGAAGAGGTAGCGAGTGTTGGCAGGAGATCCC[C>A]CGACTTCAAAGAGCTTCATCAAATCAAAGAATTGTCCATGAATGTCCCCACAAACTGAAA-3'
Protein context (NP_000935.1, residues 95-115): FFDLMKLFEV[Gly105Val]GSPANTRYLF